The following is an entry in ClinVar:

NM_001346249.2(RALGAPA1):c.2716_2717dup (p.Ser906fs)

Gene: RALGAPA1 (Ral GTPase activating protein catalytic subunit alpha 1; minus strand). Cytogenetic location: 14q13.2.
Variant type: Duplication.
Coding change: c.2716_2717dup on transcript NM_001346249.2 (MANE Select); coding-DNA positions 2716 to 2717, 2 bases duplicated (AG; older notation c.2716_2717dupAG).
Protein change: p.Ser906fs; shifts the reading frame from serine 906.
Molecular consequence: frameshift variant. On other transcripts: intron variant (8).
Genome position (GRCh38, 1-based): chr14:35,689,694-35,689,695, CT duplicated on the plus strand (AG on the coding strand, the reverse complement: RALGAPA1 is on the minus strand). VCF-style (leftmost placement, unchanged base first): chr14-35689693-G-GCT. GRCh37 (hg19) VCF-style: chr14-36158899-G-GCT.
Other names: c.2575_2576dup, p.Ser859fs (NM_001330075.3, NM_001346248.2); c.2434+141_2434+142dup (NM_194301.4, NM_001346246.2, NM_014990.3 and 2 more transcripts); c.2575+141_2575+142dup (NM_001346247.2, NM_001283044.3, NM_001346245.2); short protein forms S859fs, S906fs.
Identifiers: ClinVar variation 2630420 (VCV002630420.1), dbSNP rs2550330168, ClinGen allele CA2695199816.
Genomic context (GRCh38, chr14:35,689,693, plus strand): 5'-TTCAAAAGCTGAATCTGCAAGTTCTACTGGACCTATTAAATGACAAAGATGGTCATATAT[G>GCT]CTATCACCAACTTCCAGAGAAGACTCTCTACTATGAGTATCAGTGATGTGGCTTTCAGTG-3'

ClinVar aggregate classification (germline): Uncertain significance (1 of 4 stars; one submission).

Conditions:
RALGAPA1-related disorder. Also called: RALGAPA1-related condition.

Submission:

PreventionGenetics, part of Exact Sciences
Classification: Uncertain significance for RALGAPA1-related condition. Last evaluated: 2023-03-27. Review status: criteria provided, single submitter. Criteria: ACMG Guidelines, 2015. Collection method: clinical testing. Allele origin: germline.
Comment: The RALGAPA1 c.2716_2717dupAG variant is predicted to result in a frameshift and premature protein termination (p.Ser906Argfs*10). To our knowledge, this variant has not been reported in the literature or in a large population database, indicating this variant is rare. This variant is intronic in the more commonly reported transcript (NM_014990.3) and to our knowledge other loss-of-function variants have not been reported in this exon. Although we suspect that this variant may be pathogenic, at this time, the clinical significance of this variant is uncertain due to the absence of conclusive functional and genetic evidence.